The following is an entry in ClinVar:

ClinVar aggregate classification (germline): Pathogenic (1 of 4 stars; one submission).

Conditions:
Cardiac anomalies - developmental delay - facial dysmorphism syndrome (MRFACD). Also called: MED13L Syndrome; Impaired intellectual development and distinctive facial features with or without cardiac defects. Identifiers: Orphanet 369891, MedGen C5192431, MONDO:0014773, OMIM 616789.

Submission:

GeneDx
Classification: Pathogenic. Last evaluated: 2015-10-22. Review status: criteria provided, single submitter. Criteria: GeneDx Variant Classification (06012015). Collection method: clinical testing. Allele origin: germline. Affected: yes.
Comment: The c.4403dupG duplication in the MED13L gene has not been reported previously as apathogenic variant nor as a benign variant, to our knowledge. This variant causes a frameshift startingwith codon Threonine 1470, changes this amino acid to an Asparagine residue, and creates apremature Stop codon at position 9 of the new reading frame, denoted p.Thr1470AsnfsX9. Thisvariant is predicted to cause loss of normal protein function either through protein truncation ornonsense-mediated mRNA decay. The c.4403dupG variant was not observed in approximately 6500individuals of European and African American ancestry in the NHLBI Exome Sequencing Project,indicating it is not a common benign variant in these populations. We interpret c.4403dupG as apathogenic variant.

NM_015335.5(MED13L):c.4403dup (p.Thr1470fs)

Gene: MED13L (mediator complex subunit 13L; minus strand). Cytogenetic location: 12q24.21.
Variant type: Duplication.
Coding change: c.4403dup on transcript NM_015335.5 (MANE Select); coding-DNA position 4403, one base duplicated (G; older notation c.4403dupG).
Protein change: p.Thr1470fs; shifts the reading frame from threonine 1470.
Molecular consequence: frameshift variant.
Genome position (GRCh38, 1-based): chr12:115,984,308, C duplicated on the plus strand (G on the coding strand, the reverse complement: MED13L is on the minus strand); the first of 3 consecutive C bases (chr12:115,984,308-115,984,310); duplicating any one gives the same sequence. VCF-style (leftmost placement, unchanged base first): chr12-115984307-T-TC. GRCh37 (hg19) VCF-style: chr12-116422112-T-TC.
Other names: c.4403dupG (NM_015335.4); short protein forms T1470fs.
Identifiers: ClinVar variation 430063 (VCV000430063.4), dbSNP rs1131691764, ClinGen allele CA645369590.
Genomic context (GRCh38, chr12:115,984,307, plus strand): 5'-CCAAGGCTGGTTAAACCACTCACTCACAAGCTCATCTGTCAGCTTCTGTGCCACAGTTTT[T>TC]CCCACGCGCATGATCCCGTCACGTAGCACTTTGCAGATGGGCTTGTGCTGCCCAAGCCTA-3'